The following is an entry in ClinVar:

NM_000039.3(APOA1):c.629G>A (p.Gly210Asp)

Gene: APOA1 (apolipoprotein A1; minus strand). Cytogenetic location: 11q23.3.
Variant type: single nucleotide variant.
Coding change: c.629G>A on transcript NM_000039.3 (MANE Select); coding-DNA position 629, G replaced by A.
Protein change: p.Gly210Asp; replaces glycine 210 with aspartic acid.
Molecular consequence: missense variant.
Genome position (GRCh38, 1-based): chr11:116,835,983, C>T on the plus strand (G>A on the coding strand, the complement: APOA1 is on the minus strand). VCF-style: chr11-116835983-C-T. GRCh37 (hg19) VCF-style: chr11-116706699-C-T.
Other names: c.629G>A, p.Gly210Asp (NM_001318017.2, NM_001318018.2, NM_001425090.1); c.302G>A, p.Gly101Asp (NM_001318021.2, NM_001425091.1, NM_001425092.1); c.584G>A, p.Gly195Asp (NM_001425093.1); short protein forms G101D, G195D, G210D.
Identifiers: ClinVar variation 3231944 (VCV003231944.2), dbSNP rs2540288173, ClinGen allele CA382714848.

ClinVar aggregate classification (germline): Uncertain significance. Review status: criteria provided, multiple submitters, no conflicts (2 of 4 stars). 2 submissions from 2 submitters: Uncertain significance (2). Last evaluated 2025-11-04.

Conditions:
Cardiovascular phenotype. Identifiers: MedGen CN230736.

Allele frequency attached by ClinVar (database versions not stated): gnomAD exomes below 0.00001.
gnomAD v4.1: 1 of 1,609,882 alleles (0.000062%); highest among the groups gnomAD compares: Non-Finnish European, 0.000085%; no homozygotes.

Submissions (2):

Labcorp Genetics (formerly Invitae), Labcorp
Classification: Uncertain significance. Last evaluated: 2025-11-04. Review status: criteria provided, single submitter. Criteria: Invitae Variant Classification Sherloc (09022015). Collection method: clinical testing. Allele origin: germline.
Comment: This sequence change replaces glycine, which is neutral and non-polar, with aspartic acid, which is acidic and polar, at codon 210 of the APOA1 protein (p.Gly210Asp). This variant is not present in population databases (gnomAD no frequency). This variant has not been reported in the literature in individuals affected with APOA1-related conditions. ClinVar contains an entry for this variant (Variation ID: 3231944). Invitae Evidence Modeling of protein sequence and biophysical properties (such as structural, functional, and spatial information, amino acid conservation, physicochemical variation, residue mobility, and thermodynamic stability) has been performed for this missense variant. However, the output from this modeling did not meet the statistical confidence thresholds required to predict the impact of this variant on APOA1 protein function. In summary, the available evidence is currently insufficient to determine the role of this variant in disease. Therefore, it has been classified as a Variant of Uncertain Significance.

Ambry Genetics
Classification: Uncertain significance for Cardiovascular phenotype. Last evaluated: 2024-02-04. Review status: criteria provided, single submitter. Criteria: Ambry Variant Classification Scheme 2023. Collection method: clinical testing. Allele origin: germline.
Comment: The p.G210D variant (also known as c.629G>A), located in coding exon 3 of the APOA1 gene, results from a G to A substitution at nucleotide position 629. The glycine at codon 210 is replaced by aspartic acid, an amino acid with similar properties. This amino acid position is conserved. In addition, this alteration is predicted to be tolerated by in silico analysis. Based on the available evidence, the clinical significance of this alteration remains unclear.